The following is an entry in ClinVar:

NM_000059.4(BRCA2):c.9175A>G (p.Lys3059Glu)

Gene: BRCA2 (BRCA2 DNA repair associated; plus strand). Cytogenetic location: 13q13.1.
Variant type: single nucleotide variant.
Coding change: c.9175A>G on transcript NM_000059.4 (MANE Select); coding-DNA position 9175, A replaced by G.
Protein change: p.Lys3059Glu; replaces lysine 3059 with glutamic acid.
Molecular consequence: missense variant.
Genome position (GRCh38, 1-based): chr13:32,380,064, A>G. VCF-style: chr13-32380064-A-G. GRCh37 (hg19) VCF-style: chr13-32954201-A-G.
Other names: 9403A>G; short protein forms K3059E.
Identifiers: ClinVar variation 52767 (VCV000052767.30), dbSNP rs80359174, ClinGen allele CA026016.

ClinVar aggregate classification (germline): Benign. Review status: reviewed by expert panel (3 of 4 stars). 11 submissions from 11 submitters: Benign (1). 10 of the submissions do not count toward it. Last evaluated 2019-06-18.

Conditions:
Hereditary breast ovarian cancer syndrome. Also called: Hereditary breast and ovarian cancer syndrome; Hereditary breast and ovarian cancer; Hereditary breast and ovarian cancer syndrome (HBOC); Breast and ovarian cancer; Hereditary breast and/or ovarian cancer syndrome; BRCA1- and BRCA2-Associated Hereditary Breast and Ovarian Cancer. Identifiers: Orphanet 145, MedGen C0677776, MeSH D061325, MONDO:0003582. Disease mechanism: loss of function.
BRCA2-related disorder. Also called: BRCA2-related condition; BRCA2-related disorders. Identifiers: MedGen CN239275.
Malignant tumor of breast. Also called: Malignant breast neoplasm; Cancer breast. Identifiers: MedGen C0006142, MONDO:0007254. Disease mechanism: loss of function.
Hereditary cancer-predisposing syndrome. Also called: Neoplastic Syndromes, Hereditary; Tumor predisposition; Hereditary neoplastic syndrome; Hereditary Cancer Syndrome. Identifiers: Orphanet 140162, MedGen C0027672, MeSH D009386, MONDO:0015356.
Breast-ovarian cancer, familial, susceptibility to, 2 (BROVCA2). Also called: BRCA2 Hereditary Breast and Ovarian Cancer. Identifiers: Orphanet 145, MedGen C2675520, MONDO:0012933, OMIM 612555. Disease mechanism: loss of function.

Allele frequency attached by ClinVar (database versions not stated): gnomAD exomes below 0.00001 and 0.00006.
gnomAD v4.1: 92 of 1,614,114 alleles (0.0057%); highest among the groups gnomAD compares: Non-Finnish European, 0.0077%; no homozygotes.

Submissions (11):

Evidence-based Network for the Interpretation of Germline Mutant Alleles (ENIGMA)
Classification: Benign for Breast-ovarian cancer, familial, susceptibility to, 2. Last evaluated: 2019-06-18. Review status: reviewed by expert panel. Criteria: ENIGMA BRCA1/2 Classification Criteria (2017-06-29). Collection method: curation. Allele origin: germline.
Comment: IARC class based on posterior probability from multifactorial likelihood analysis, thresholds for class as per Plon et al. 2008 (PMID: 18951446). Class 1 based on posterior probability = 0.000879

Labcorp Genetics (formerly Invitae), Labcorp
Classification: Likely benign for Hereditary breast ovarian cancer syndrome. Last evaluated: 2025-12-26. Review status: criteria provided, single submitter. Criteria: Invitae Variant Classification Sherloc (09022015). Collection method: clinical testing. Allele origin: germline. Not counted in ClinVar's aggregate classification.

Women's Health and Genetics/Laboratory Corporation of America, LabCorp
Classification: Likely benign. Last evaluated: 2022-10-10. Review status: criteria provided, single submitter. Criteria: LabCorp Variant Classification Summary - May 2015. Collection method: clinical testing. Allele origin: germline. Not counted in ClinVar's aggregate classification.
Comment: Variant summary: BRCA2 c.9175A>G (p.Lys3059Glu) results in a conservative amino acid change located in the BRCA2, OB3 domain of the encoded protein sequence. Five of five in-silico tools predict a benign effect of the variant on protein function. The variant allele was found at a frequency of 4e-06 in 251304 control chromosomes. The available data on variant occurrences in the general population are insufficient to allow any conclusion about variant significance. Although seen in the literature, to our knowledge, no occurrence of c.9175A>G in individuals affected with Hereditary Breast And Ovarian Cancer Syndrome and no experimental evidence demonstrating its impact on protein function have been reported. At-least two co-occurrences with other pathogenic variant(s) have been ascertained in the BIC database and at our laboratory (BIC database-BRCA2 c.8237_8238delCA, p.Thr2746Serfs; our laboratory-BRCA2 c.8575delC, p.Q2859fsX4), providing supporting evidence for a benign role. Five clinical diagnostic laboratories and an expert panel (ENIGMA) have submitted clinical-significance assessments for this variant to ClinVar after 2014 with a majority consensus as likely benign/benign (n=6, expert panel benign) (VUS, n=1). Based on the evidence outlined above, the variant was classified as likely benign.

GeneDx
Classification: Likely benign. Last evaluated: 2020-06-29. Review status: criteria provided, single submitter. Criteria: GeneDx Variant Classification Process June 2021. Collection method: clinical testing. Allele origin: germline. Affected: yes. Not counted in ClinVar's aggregate classification.
Comment: This variant is associated with the following publications: (PMID: 19043619, 31131967)

Ambry Genetics
Classification: Likely benign for Hereditary cancer-predisposing syndrome. Last evaluated: 2018-03-30. Review status: criteria provided, single submitter. Criteria: Ambry Variant Classification Scheme 2023. Collection method: clinical testing. Allele origin: germline. Not counted in ClinVar's aggregate classification.

Color Diagnostics, LLC DBA Color Health
Classification: Likely benign for Hereditary cancer-predisposing syndrome. Last evaluated: 2017-09-22. Review status: criteria provided, single submitter. Criteria: ACMG Guidelines, 2015. Collection method: clinical testing. Allele origin: germline. Not counted in ClinVar's aggregate classification.

PreventionGenetics, part of Exact Sciences
Classification: Uncertain significance for BRCA2-related condition. Last evaluated: 2024-01-13. Review status: no assertion criteria provided. Collection method: clinical testing. Allele origin: germline. Not counted in ClinVar's aggregate classification.
Comment: The BRCA2 c.9175A>G variant is predicted to result in the amino acid substitution p.Lys3059Glu. To our knowledge, this variant has not been reported in the literature in affected individuals. This variant is reported in 0.00088% of alleles in individuals of European (Non-Finnish) descent in gnomAD and has varied interpretations in ClinVar, ranging from uncertain to benign, with the ENIGMA expert panel interpreting it as benign (Supplemental Table 1, Parsons et al. 2019. PubMed ID: 31131967). While we suspect this variant could be benign, at this time its clinical significance is uncertain due to the absence of conclusive functional and genetic evidence.

Counsyl
Classification: Uncertain significance for Breast-ovarian cancer, familial, susceptibility to, 2. Last evaluated: 2016-01-19. Review status: no assertion criteria provided. Collection method: clinical testing. Allele origin: unknown. Not counted in ClinVar's aggregate classification.

Sharing Clinical Reports Project (SCRP)
Classification: Likely benign for Breast-ovarian cancer, familial 2. Last evaluated: 2011-07-05. Review status: no assertion criteria provided. Collection method: clinical testing. Allele origin: germline. Not counted in ClinVar's aggregate classification.

Breast Cancer Information Core (BIC) (BRCA2)
Classification: Uncertain significance for Breast-ovarian cancer, familial 2. Last evaluated: 2004-02-20. Review status: no assertion criteria provided. Collection method: clinical testing. Allele origin: germline. Affected: yes. Observed: 3 variant alleles. Not counted in ClinVar's aggregate classification.

Department of Pathology and Laboratory Medicine, Sinai Health System
Classification: Uncertain significance for Malignant tumor of breast. Review status: no assertion criteria provided. Collection method: clinical testing. Allele origin: unknown. Affected: yes. Study: The Canadian Open Genetics Repository (COGR). Not counted in ClinVar's aggregate classification.
Comment: The BRCA2 p.Lys3059Glu variant was not identified in the literature nor was it identified in the COGR, Cosmic, MutDB, ARUP Laboratories, and Zhejiang Colon Cancer databases. The variant was identified in dbSNP (ID: rs80359174) as â€šÃ„ÃºWith other alleleâ€šÃ„Ã¹; in ClinVar and Clinvitae as likely benign by Invitae, Ambry Genetics, Sharing Clinical Reports Project, and with uncertain significance by GeneDx and Counsyl. In addition, the variant was listed in the BIC database 3X with unknown significance; in LOVD 3.0 database 1X with no classification; in the UMD-LSDB database 2X as uncertain significance with no co-occurrence of other pathogenic variants; and in the BIC Database 3X with unknown significance. The variant was also identified by our laboratory in 2 individuals with breast cancer. Furthermore, the variant was identified in control databases in 1 of 246114 chromosomes at a frequency of 0.000004 (Genome Aggregation Database Feb 27, 2017). It was identified in the European Non-Finnish population in 1 of 111604 chromosomes (freq: 0.000009), but not in the African, Other, Latino, Ashkenazi Jewish, East Asian, European Finnish, and South Asian populations. In silico predicted impact on the protein is uncertain (Karchin_2008). The p.Lys3059 residue is conserved in in mammals but not in more distantly related organisms however computational analyses (PolyPhen-2, SIFT, AlignGVGD, BLOSUM, MutationTaster) do not suggest a high likelihood of impact to the protein; this information is not predictive enough to rule out pathogenicity. The variant occurs outside of the splicing consensus sequence and in silico or computational prediction software programs (SpliceSiteFinder, MaxEntScan, NNSPLICE, GeneSplicer, HumanSpliceFinder) do not predict a difference in splicing. In summary, based on the above information the clinical significance of this variant cannot be determined with certainty at this time. This variant is classified as a variant of uncertain significance.

Literature cited by the submitters: PubMed 31131967 (cited by Evidence-based Network for the Interpretation of Germline Mutant Alleles (ENIGMA)); PubMed 19043619 (cited by Women's Health and Genetics/Laboratory Corporation of America, LabCorp and Ambry Genetics).